The following is an entry in ClinVar:

ClinVar aggregate classification (germline): Uncertain significance (1 of 4 stars; one submission).

Conditions:
Hereditary cancer-predisposing syndrome. Also called: Neoplastic Syndromes, Hereditary; Hereditary neoplastic syndrome; Hereditary Cancer Syndrome; Tumor predisposition. Identifiers: Orphanet 140162, MedGen C0027672, MeSH D009386, MONDO:0015356.
Cardiovascular phenotype. Identifiers: MedGen CN230736.

Submission:

Ambry Genetics
Classification: Uncertain significance for Cardiovascular phenotype; Hereditary cancer-predisposing syndrome. Last evaluated: 2026-07-24. Review status: criteria provided, single submitter. Criteria: Ambry Variant Classification Scheme 2023. Collection method: clinical testing. Allele origin: germline.
Comment: The p.G2020R variant (also known as c.6058G>A), located in coding exon 40 of the NF1 gene, results from a G to A substitution at nucleotide position 6058. The glycine at codon 2020 is replaced by arginine, an amino acid with dissimilar properties. This amino acid position is highly conserved in available vertebrate species. In addition, this alteration is predicted to be deleterious by in silico analysis. Based on the available evidence, the clinical significance of this variant remains unclear.

NM_001042492.3(NF1):c.6121G>A (p.Gly2041Arg)

Gene: NF1 (neurofibromin 1; plus strand). Cytogenetic location: 17q11.2.
Variant type: single nucleotide variant.
Coding change: c.6121G>A on transcript NM_001042492.3 (MANE Select); coding-DNA position 6121, G replaced by A.
Protein change: p.Gly2041Arg; replaces glycine 2041 with arginine.
Molecular consequence: missense variant.
Genome position (GRCh38, 1-based): chr17:31,336,447, G>A. VCF-style: chr17-31336447-G-A. GRCh37 (hg19) VCF-style: chr17-29663465-G-A.
Other names: c.6058G>A, p.Gly2020Arg (NM_000267.4); short protein forms G2041R, G2020R.
Identifiers: ClinVar variation 480116 (VCV000480116.6), dbSNP rs1555534616, ClinGen allele CA399011452.